The following is an entry in ClinVar:

NM_001100913.3(PACS2):c.17G>C (p.Arg6Pro)

Genes: BRF1 (BRF1 general transcription factor IIIB subunit; minus strand), PACS2 (phosphofurin acidic cluster sorting protein 2; plus strand). Cytogenetic location: 14q32.33.
Variant type: single nucleotide variant.
Coding change: c.17G>C on transcript NM_001100913.3 (MANE Select); coding-DNA position 17, G replaced by C.
Protein change: p.Arg6Pro; replaces arginine 6 with proline.
Molecular consequence: missense variant. On other transcripts: intron variant (4).
Genome position (GRCh38, 1-based): chr14:105,314,935, G>C. VCF-style: chr14-105314935-G-C. GRCh37 (hg19) VCF-style: chr14-105781272-G-C.
Other names: c.17G>C, p.Arg6Pro (NM_015197.4); c.-162+387C>G (NM_001440451.1, NM_001242787.2, NM_001242786.2); c.-83+13956G>C (NM_001243127.3); short protein forms R6P.
Identifiers: ClinVar variation 1718776 (VCV001718776.6), dbSNP rs1330015149, ClinGen allele CA391191416.
Genomic context (GRCh38, chr14:105,314,935, plus strand): 5'-CGGCCGCAGCCCCAGGCCGCCGAGGGAGCGGCGGGGCCGGCGCCATGGCCGAGCGAGGCC[G>C]CCTCGGCCTCCCCGGCGCGCCCGGCGCGCTCAACACGCCCGTGCCCATGAACCTGTTCGC-3'
Protein context (NP_001094383.2, residues 1-16): MAERG[Arg6Pro]LGLPGAPGAL

ClinVar aggregate classification (germline): Uncertain significance (1 of 4 stars; one submission).

Submission:

Labcorp Genetics (formerly Invitae), Labcorp
Classification: Uncertain significance. Last evaluated: 2023-05-27. Review status: criteria provided, single submitter. Criteria: Invitae Variant Classification Sherloc (09022015). Collection method: clinical testing. Allele origin: germline.
Comment: In summary, the available evidence is currently insufficient to determine the role of this variant in disease. Therefore, it has been classified as a Variant of Uncertain Significance. An algorithm developed to predict the effect of missense changes on protein structure and function (PolyPhen-2) suggests that this variant is likely to be tolerated. ClinVar contains an entry for this variant (Variation ID: 1718776). This variant has not been reported in the literature in individuals affected with PACS2-related conditions. The frequency data for this variant in the population databases is considered unreliable, as metrics indicate insufficient coverage at this position in the gnomAD database. This sequence change replaces arginine, which is basic and polar, with proline, which is neutral and non-polar, at codon 6 of the PACS2 protein (p.Arg6Pro).